The following is an entry in ClinVar:

ClinVar aggregate classification (germline): Uncertain significance. Review status: criteria provided, multiple submitters, no conflicts (2 of 4 stars). 2 submissions from 2 submitters: Uncertain significance (2). Last evaluated 2025-04-21.

Conditions:
Hereditary cancer-predisposing syndrome. Also called: Neoplastic Syndromes, Hereditary; Tumor predisposition; Hereditary Cancer Syndrome; Hereditary neoplastic syndrome. Identifiers: Orphanet 140162, MedGen C0027672, MeSH D009386, MONDO:0015356.

Allele frequency attached by ClinVar (database versions not stated): gnomAD exomes below 0.00001 and 0.00002; ExAC 0.00002.
gnomAD v4.1: 4 of 1,604,936 alleles (0.00025%); highest among the groups gnomAD compares: East Asian, 0.0045%; no homozygotes.

Submissions (2):

Labcorp Genetics (formerly Invitae), Labcorp
Classification: Uncertain significance for Hereditary cancer-predisposing syndrome. Last evaluated: 2025-04-21. Review status: criteria provided, single submitter. Criteria: Invitae Variant Classification Sherloc (09022015). Collection method: clinical testing. Allele origin: germline.
Comment: This sequence change replaces glutamine, which is neutral and polar, with arginine, which is basic and polar, at codon 606 of the RAD50 protein (p.Gln606Arg). This variant is present in population databases (rs749083001, gnomAD 0.02%). This variant has not been reported in the literature in individuals affected with RAD50-related conditions. ClinVar contains an entry for this variant (Variation ID: 457387). Invitae Evidence Modeling of protein sequence and biophysical properties (such as structural, functional, and spatial information, amino acid conservation, physicochemical variation, residue mobility, and thermodynamic stability) indicates that this missense variant is expected to disrupt RAD50 protein function with a positive predictive value of 80%. In summary, the available evidence is currently insufficient to determine the role of this variant in disease. Therefore, it has been classified as a Variant of Uncertain Significance.

Ambry Genetics
Classification: Uncertain significance for Hereditary cancer-predisposing syndrome. Last evaluated: 2024-06-05. Review status: criteria provided, single submitter. Criteria: Ambry Variant Classification Scheme 2023. Collection method: clinical testing. Allele origin: germline.

NM_005732.4(RAD50):c.1817A>G (p.Gln606Arg)

Gene: RAD50 (RAD50 double strand break repair protein; plus strand). Cytogenetic location: 5q31.1.
Variant type: single nucleotide variant.
Coding change: c.1817A>G on transcript NM_005732.4 (MANE Select); coding-DNA position 1817, A replaced by G.
Protein change: p.Gln606Arg; replaces glutamine 606 with arginine.
Molecular consequence: missense variant.
Genome position (GRCh38, 1-based): chr5:132,594,892, A>G. VCF-style: chr5-132594892-A-G. GRCh37 (hg19) VCF-style: chr5-131930584-A-G.
Other names: short protein forms Q606R.
Identifiers: ClinVar variation 457387 (VCV000457387.15), dbSNP rs749083001, ClinGen allele CA3405282.
Genomic context (GRCh38, chr5:132,594,892, plus strand): 5'-ATTTTAAAATGAAAATCCATATTTGCTCTTATTTTAGCAAGGAACTAGCTTCATCTGAGC[A>G]GAATAAAAATCATATAAATAATGAACTAAAAAGAAAGGAAGAGCAGTTGTCCAGTTACGA-3'
Protein context (NP_005723.2, residues 596-616): KLNKELASSE[Gln606Arg]NKNHINNELK